The following is an entry in ClinVar:

ClinVar aggregate classification (germline): Conflicting classifications of pathogenicity. Review status: criteria provided, conflicting classifications (1 of 4 stars). 10 submissions from 10 submitters: Uncertain significance (1); Benign (2); Likely benign (6). 1 of the submissions does not count toward it. Last evaluated 2026-01-21.

Conditions:
Hypertrophic cardiomyopathy 26. Also called: Cardiomyopathy, familial hypertrophic, 26. Identifiers: Orphanet 75249, MedGen C4310749, MONDO:0014883, OMIM 617047.
Distal myopathy with posterior leg and anterior hand involvement. Also called: WILLIAMS DISTAL MYOPATHY. Identifiers: Orphanet 63273, MedGen C3279722, MONDO:0013550, OMIM 614065.
Myofibrillar myopathy 5. Also called: Filaminopathy (type); FILAMINOPATHY, AUTOSOMAL DOMINANT. Identifiers: Orphanet 171445, MedGen C1836050, MONDO:0012289, OMIM 609524.
FLNC-related disorder. Also called: FLNC-related condition; FLNC-related disorders.
Cardiovascular phenotype. Identifiers: MedGen CN230736.
Cardiomyopathy (CMYO). Also called: Cardiomyopathies. Identifiers: Orphanet 167848, MedGen C0878544, MONDO:0004994, HP:0001638. Inheritance: Various modes of inheritance.

Allele frequency attached by ClinVar (database versions not stated): ESP Exome Variant Server 0.00016; ExAC 0.00022; TOPMed 0.00023.
gnomAD v4.1: 981 of 1,613,746 alleles (0.061%); highest among the groups gnomAD compares: Non-Finnish European, 0.077%; 4 homozygotes.

Submissions (10):

Labcorp Genetics (formerly Invitae), Labcorp
Classification: Likely benign for Distal myopathy with posterior leg and anterior hand involvement; Myofibrillar myopathy 5; Hypertrophic cardiomyopathy 26. Last evaluated: 2026-01-21. Review status: criteria provided, single submitter. Criteria: Invitae Variant Classification Sherloc (09022015). Collection method: clinical testing. Allele origin: germline.

CeGaT Center for Human Genetics Tuebingen
Classification: Likely benign. Last evaluated: 2025-04-01. Review status: criteria provided, single submitter. Criteria: CeGaT Center For Human Genetics Tuebingen Variant Classification Criteria Version 2. Collection method: clinical testing. Allele origin: germline. Affected: yes. Observed: 1 variant allele.
Comment: FLNC: BP4, BP7

Blueprint Genetics
Classification: Likely benign. Last evaluated: 2024-09-12. Review status: criteria provided, single submitter. Criteria: ACMG Guidelines, 2015. Collection method: clinical testing. Allele origin: germline.

Women's Health and Genetics/Laboratory Corporation of America, LabCorp
Classification: Benign. Last evaluated: 2024-06-04. Review status: criteria provided, single submitter. Criteria: LabCorp Variant Classification Summary - May 2015. Collection method: clinical testing. Allele origin: germline.

Athena Diagnostics
Classification: Benign. Last evaluated: 2024-05-28. Review status: criteria provided, single submitter. Criteria: Athena Diagnostics Criteria. Collection method: clinical testing. Allele origin: unknown.

CHEO Genetics Diagnostic Laboratory, Children's Hospital of Eastern Ontario
Classification: Likely benign for Cardiomyopathy. Last evaluated: 2023-02-14. Review status: criteria provided, single submitter. Criteria: ACMG Guidelines, 2015. Collection method: clinical testing. Allele origin: germline.

GeneDx
Classification: Likely benign. Last evaluated: 2020-02-14. Review status: criteria provided, single submitter. Criteria: GeneDx Variant Classification Process June 2021. Collection method: clinical testing. Allele origin: germline. Affected: yes.

Ambry Genetics
Classification: Likely benign for Cardiovascular phenotype. Last evaluated: 2019-07-15. Review status: criteria provided, single submitter. Criteria: Ambry Variant Classification Scheme 2023. Collection method: clinical testing. Allele origin: germline.

Eurofins Ntd Llc (ga)
Classification: Uncertain significance. Last evaluated: 2016-01-14. Review status: criteria provided, single submitter. Criteria: EGL Classification Definitions 2015. Collection method: clinical testing. Allele origin: germline. Observed: 1 variant allele, 1 heterozygote.

PreventionGenetics, part of Exact Sciences
Classification: Likely benign for FLNC-related condition. Last evaluated: 2023-02-03. Review status: no assertion criteria provided. Collection method: clinical testing. Allele origin: germline. Not counted in ClinVar's aggregate classification.
Comment: This variant is classified as likely benign based on ACMG/AMP sequence variant interpretation guidelines (Richards et al. 2015 PMID: 25741868, with internal and published modifications).

NM_001458.5(FLNC):c.3489G>C (p.Pro1163=)

Gene: FLNC (filamin C; plus strand). Cytogenetic location: 7q32.1.
Variant type: single nucleotide variant.
Coding change: c.3489G>C on transcript NM_001458.5 (MANE Select); coding-DNA position 3489, G replaced by C.
Protein change: p.Pro1163=; no amino-acid change (proline 1163 retained).
Molecular consequence: synonymous variant.
Genome position (GRCh38, 1-based): chr7:128,844,954, G>C. VCF-style: chr7-128844954-G-C. GRCh37 (hg19) VCF-style: chr7-128485008-G-C.
Other names: c.3489G>C, p.Pro1163= (NM_001127487.2).
Identifiers: ClinVar variation 285289 (VCV000285289.35), dbSNP rs369853278, ClinGen allele CA4475055.